The following is an entry in ClinVar:

NM_000219.6(KCNE1):c.*1226_*1229del

Gene: KCNE1 (potassium voltage-gated channel subfamily E regulatory subunit 1; minus strand). Cytogenetic location: 21q22.12.
Variant type: Deletion.
Coding change: c.*1226_*1229del on transcript NM_000219.6 (MANE Select); 1226 bases downstream of the stop codon through 1229 bases downstream of the stop codon, 4 bases deleted (GCCG; older notation c.*1226_*1229delGCCG).
Molecular consequence: 3 prime UTR variant.
Genome position (GRCh38, 1-based): chr21:34,448,016-34,448,019, CGGC deleted on the plus strand (GCCG on the coding strand, the reverse complement: KCNE1 is on the minus strand). VCF-style (leftmost placement, unchanged base first): chr21-34448015-ACGGC-A. GRCh37 (hg19) VCF-style: chr21-35820313-ACGGC-A.
Other names: c.*1226_*1229del (NM_001127668.4, NM_001127669.4, NM_001127670.4 and 4 more transcripts).
Identifiers: ClinVar variation 339750 (VCV000339750.6), dbSNP rs551512090, ClinGen allele CA10653525.

ClinVar aggregate classification (germline): Likely benign (1 of 4 stars; one submission).

Allele frequency attached by ClinVar (database versions not stated): 1000 Genomes Project 0.00180; 1000 Genomes Project 30x 0.00297; gnomAD 0.00682 and 0.00693.

Submission:

GeneDx
Classification: Likely benign. Last evaluated: 2021-10-26. Review status: criteria provided, single submitter. Criteria: GeneDx Variant Classification Process June 2021. Collection method: clinical testing. Allele origin: germline. Affected: yes.
Comment: See Variant Classification Assertion Criteria.